The following is an entry in ClinVar:

ClinVar aggregate classification (germline): Uncertain significance (1 of 4 stars; one submission).

gnomAD v4.1: 14 of 1,614,040 alleles (0.00087%); highest among the groups gnomAD compares: Non-Finnish European, 0.0012%; no homozygotes.

Submission:

Labcorp Genetics (formerly Invitae), Labcorp
Classification: Uncertain significance. Last evaluated: 2022-04-10. Review status: criteria provided, single submitter. Criteria: Invitae Variant Classification Sherloc (09022015). Collection method: clinical testing. Allele origin: germline.
Comment: This sequence change replaces histidine, which is basic and polar, with arginine, which is basic and polar, at codon 342 of the MCPH1 protein (p.His342Arg). This variant is not present in population databases (gnomAD no frequency). This variant has not been reported in the literature in individuals affected with MCPH1-related conditions. Algorithms developed to predict the effect of missense changes on protein structure and function output the following: SIFT: "Not Available"; PolyPhen-2: "Benign"; Align-GVGD: "Not Available". The arginine amino acid residue is found in multiple mammalian species, which suggests that this missense change does not adversely affect protein function. In summary, the available evidence is currently insufficient to determine the role of this variant in disease. Therefore, it has been classified as a Variant of Uncertain Significance.

NM_024596.5(MCPH1):c.1025A>G (p.His342Arg)

Gene: MCPH1 (microcephalin 1; plus strand). Cytogenetic location: 8p23.1.
Variant type: single nucleotide variant.
Coding change: c.1025A>G on transcript NM_024596.5 (MANE Select); coding-DNA position 1025, A replaced by G.
Protein change: p.His342Arg; replaces histidine 342 with arginine.
Molecular consequence: missense variant. On other transcripts: non-coding transcript variant (1).
Genome position (GRCh38, 1-based): chr8:6,444,747, A>G. VCF-style: chr8-6444747-A-G. GRCh37 (hg19) VCF-style: chr8-6302268-A-G.
Other names: c.1025A>G, p.His342Arg (NM_001172574.2, NM_001322042.2, NM_001363979.1 and 3 more transcripts); c.881A>G, p.His294Arg (NM_001172575.2); c.1019A>G, p.His340Arg (NM_001322043.2); c.923A>G, p.His308Arg (NM_001322045.2); short protein forms H294R, H342R, H308R, H340R.
Identifiers: ClinVar variation 1931307 (VCV001931307.5), dbSNP rs1333669098, ClinGen allele CA370220538.